The following is an entry in ClinVar:

NM_000501.4(ELN):c.1869CGC[2] (p.Ala629_Ala630del)

Gene: ELN (elastin; plus strand). Cytogenetic location: 7q11.23.
Variant type: Microsatellite.
Coding change: c.1869CGC[2] on transcript NM_000501.4 (MANE Select); two copies in a row of the 3-base unit CGC starting at c.1869; the reference has four copies in a row; two copies, 6 bases deleted.
Protein change: p.Ala629_Ala630del.
Genome position (GRCh38, 1-based): chr7:74,063,326-74,063,331, CGCCGC deleted; deleting any 6 consecutive bases within chr7:74,063,319-74,063,331 gives the same sequence; the position shown is the placement nearest the transcript's 3' end. VCF-style (leftmost placement, unchanged base first): chr7-74063318-CCCGCCG-C. GRCh37 (hg19) VCF-style: chr7-73477648-CCCGCCG-C.
Other names: c.1782CGC[2], p.Ala600_Ala601del (NM_001081752.3); c.1827CGC[2], p.Ala615_Ala616del (NM_001081753.3); c.1884CGC[2], p.Ala634_Ala635del (NM_001081754.3); c.1812CGC[2], p.Ala610_Ala611del (NM_001081755.3); c.1869CGC[2], p.Ala629_Ala630del (NM_001278912.2); c.1626CGC[2], p.Ala548_Ala549del (NM_001278913.2); c.1797CGC[2], p.Ala605_Ala606del (NM_001278914.2); c.1887CGC[2], p.Ala635_Ala636del (NM_001278915.2); and 4 more.
Identifiers: ClinVar variation 4768900 (VCV004768900.1).

ClinVar aggregate classification (germline): Uncertain significance (1 of 4 stars; one submission).

Conditions:
Supravalvar aortic stenosis (SVAS). Also called: Supravalvar aortic stenosis, Eisenberg type. Identifiers: Orphanet 3193, MedGen C0003499, MONDO:0008504, OMIM 185500, HP:0004381.

Submission:

Labcorp Genetics (formerly Invitae), Labcorp
Classification: Uncertain significance for Supravalvar aortic stenosis. Last evaluated: 2025-12-08. Review status: criteria provided, single submitter. Criteria: Invitae Variant Classification Sherloc (09022015). Collection method: clinical testing. Allele origin: germline.
Comment: This variant, c.2061_2066del, results in the deletion of 2 amino acid(s) of the ELN protein (p.Ala691_Ala692del), but otherwise preserves the integrity of the reading frame. This variant is not present in population databases (gnomAD no frequency). This variant has not been reported in the literature in individuals affected with ELN-related conditions. Experimental studies and prediction algorithms are not available or were not evaluated, and the functional significance of this variant is currently unknown. In summary, the available evidence is currently insufficient to determine the role of this variant in disease. Therefore, it has been classified as a Variant of Uncertain Significance.